The following is an entry in ClinVar:

ClinVar aggregate classification (germline): Uncertain significance (1 of 4 stars; one submission).

Conditions:
Primary ciliary dyskinesia. Also called: Ciliary dyskinesia. Identifiers: Orphanet 244, MedGen C0008780, MONDO:0016575, HP:0012265.

gnomAD v4.1: 4 of 1,411,082 alleles (0.00028%); highest among the groups gnomAD compares: Middle Eastern, 0.018%; no homozygotes.

Submission:

Ambry Genetics
Classification: Uncertain significance for Primary ciliary dyskinesia. Last evaluated: 2023-09-24. Review status: criteria provided, single submitter. Criteria: Ambry Variant Classification Scheme 2023. Collection method: clinical testing. Allele origin: germline.
Comment: The p.S720N variant (also known as c.2159G>A) is located in coding exon 16 of the CCDC39 gene. The serine at codon 720 is replaced by asparagine, an amino acid with highly similar properties. This change occurs in the first base pair of coding exon 16. This amino acid position is conserved. In addition, this alteration is predicted to be tolerated by in silico analysis. Since supporting evidence is limited at this time, the clinical significance of this alteration remains unclear.

NM_181426.2(CCDC39):c.2159G>A (p.Ser720Asn)

Gene: CCDC39 (coiled-coil domain 39 molecular ruler complex subunit; minus strand). Cytogenetic location: 3q26.33.
Variant type: single nucleotide variant.
Coding change: c.2159G>A on transcript NM_181426.2 (MANE Select); coding-DNA position 2159, G replaced by A.
Protein change: p.Ser720Asn; replaces serine 720 with asparagine.
Molecular consequence: missense variant.
Genome position (GRCh38, 1-based): chr3:180,619,365, C>T on the plus strand (G>A on the coding strand, the complement: CCDC39 is on the minus strand). VCF-style: chr3-180619365-C-T. GRCh37 (hg19) VCF-style: chr3-180337153-C-T.
Other names: short protein forms S720N.
Identifiers: ClinVar variation 3229470 (VCV003229470.1), dbSNP rs1379346337, ClinGen allele CA355307085.
Genomic context (GRCh38, chr3:180,619,365, plus strand): 5'-TATTTTTCATCAACAGCTCTTTTTTGTTCTTCTAGTTGAATTTTTAGCTCATACTCATCA[C>T]CTGAAATGTAGAACATTTTTAGTTTAAAATTTCAACATACTAAGTAGAAATCAATTTTAA-3'
Protein context (NP_852091.1, residues 710-730): KQSFKKVTPS[Ser720Asn]DEYELKIQLE